The following is an entry in ClinVar:

ClinVar aggregate classification (germline): Uncertain significance. Review status: criteria provided, multiple submitters, no conflicts (2 of 4 stars). 2 submissions from 2 submitters: Uncertain significance (2). Last evaluated 2026-05-06.

Conditions:
SLC52A3-related disorder. Also called: SLC52A3-related condition.
Brown-Vialetto-van Laere syndrome 1. Also called: BROWN-VIALETTO-VAN LAERE SYNDROME 1, MILD; BULBAR PALSY, PROGRESSIVE, WITH SENSORINEURAL DEAFNESS; PONTOBULBAR PALSY WITH DEAFNESS. Identifiers: Orphanet 572550, Orphanet 97229, MedGen C0796274, MONDO:0024537, OMIM 211530.

Allele frequency attached by ClinVar (database versions not stated): gnomAD exomes 0.00001; ESP Exome Variant Server 0.00008; ExAC 0.00001.
gnomAD v4.1: 12 of 1,614,046 alleles (0.00074%); highest among the groups gnomAD compares: African/African-American, 0.0093%; no homozygotes.

Submissions (2):

PreventionGenetics, part of Exact Sciences
Classification: Uncertain significance for SLC52A3-related condition. Last evaluated: 2026-05-06. Review status: criteria provided, single submitter. Criteria: ACMG Guidelines, 2015. Collection method: clinical testing. Allele origin: germline.
Comment: The SLC52A3 c.814G>C variant is predicted to result in the amino acid substitution p.Asp272His. To our knowledge, this variant has not been reported in the literature. This variant is reported in 0.018% of alleles in individuals of African descent in gnomAD. At this time, the clinical significance of this variant is uncertain due to the absence of conclusive functional and genetic evidence.

Labcorp Genetics (formerly Invitae), Labcorp
Classification: Uncertain significance for Brown-Vialetto-van Laere syndrome 1. Last evaluated: 2025-09-02. Review status: criteria provided, single submitter. Criteria: Invitae Variant Classification Sherloc (09022015). Collection method: clinical testing. Allele origin: germline.
Comment: This sequence change replaces aspartic acid, which is acidic and polar, with histidine, which is basic and polar, at codon 272 of the SLC52A3 protein (p.Asp272His). This variant is present in population databases (rs377559449, gnomAD 0.007%). This variant has not been reported in the literature in individuals affected with SLC52A3-related conditions. ClinVar contains an entry for this variant (Variation ID: 1378738). Invitae Evidence Modeling of protein sequence and biophysical properties (such as structural, functional, and spatial information, amino acid conservation, physicochemical variation, residue mobility, and thermodynamic stability) has been performed for this missense variant. However, the output from this modeling did not meet the statistical confidence thresholds required to predict the impact of this variant on SLC52A3 protein function. In summary, the available evidence is currently insufficient to determine the role of this variant in disease. Therefore, it has been classified as a Variant of Uncertain Significance.

NM_033409.4(SLC52A3):c.814G>C (p.Asp272His)

Gene: SLC52A3 (solute carrier family 52 member 3; minus strand). Cytogenetic location: 20p13.
Variant type: single nucleotide variant.
Coding change: c.814G>C on transcript NM_033409.4 (MANE Select); coding-DNA position 814, G replaced by C.
Protein change: p.Asp272His; replaces aspartic acid 272 with histidine.
Molecular consequence: missense variant.
Genome position (GRCh38, 1-based): chr20:763,757, C>G on the plus strand (G>C on the coding strand, the complement: SLC52A3 is on the minus strand). VCF-style: chr20-763757-C-G. GRCh37 (hg19) VCF-style: chr20-744401-C-G.
Other names: c.814G>C, p.Asp272His (NM_001370085.1, NM_001370086.1); c.814G>C (NM_033409.3); short protein forms D272H.
Identifiers: ClinVar variation 1378738 (VCV001378738.8), dbSNP rs377559449, ClinGen allele CA9724675.